The following is an entry in ClinVar:

ClinVar aggregate classification (germline): Uncertain significance (1 of 4 stars; one submission).

Allele frequency attached by ClinVar (database versions not stated): gnomAD 0.00001 and 0.00002; gnomAD exomes 0.00001 and 0.00002; ExAC 0.00002; TOPMed 0.00002.
gnomAD v4.1: 28 of 1,605,132 alleles (0.0017%); highest among the groups gnomAD compares: South Asian, 0.0044%; no homozygotes.

Submission:

Labcorp Genetics (formerly Invitae), Labcorp
Classification: Uncertain significance. Last evaluated: 2021-12-02. Review status: criteria provided, single submitter. Criteria: Invitae Variant Classification Sherloc (09022015). Collection method: clinical testing. Allele origin: germline.
Comment: This sequence change falls in intron 9 of the A2ML1 gene. It does not directly change the encoded amino acid sequence of the A2ML1 protein. It affects a nucleotide within the consensus splice site. This variant is present in population databases (rs755855348, gnomAD 0.007%). This variant has not been reported in the literature in individuals affected with A2ML1-related conditions. ClinVar contains an entry for this variant (Variation ID: 948640). Variants that disrupt the consensus splice site are a relatively common cause of aberrant splicing (PMID: 17576681, 9536098). Algorithms developed to predict the effect of sequence changes on RNA splicing suggest that this variant may create or strengthen a splice site. In summary, the available evidence is currently insufficient to determine the role of this variant in disease. Therefore, it has been classified as a Variant of Uncertain Significance.

Literature cited by the submitters: PubMed 17576681; PubMed 9536098.

NM_144670.6(A2ML1):c.971-3C>T

Gene: A2ML1 (alpha-2-macroglobulin like 1; plus strand). Cytogenetic location: 12p13.31.
Variant type: single nucleotide variant.
Coding change: c.971-3C>T on transcript NM_144670.6 (MANE Select); 3 bases into the intron before coding-DNA position 971, C replaced by T.
Molecular consequence: intron variant.
Genome position (GRCh38, 1-based): chr12:8,839,110, C>T. VCF-style: chr12-8839110-C-T. GRCh37 (hg19) VCF-style: chr12-8991706-C-T.
Identifiers: ClinVar variation 948640 (VCV000948640.7), dbSNP rs755855348, ClinGen allele CA6435507.
Genomic context (GRCh38, chr12:8,839,110, plus strand): 5'-ATTAAACGTGAAGATGAGAATATCAGGTGCCTAGATCTTTATACATCTGGTTTCCCTCTG[C>T]AGGTGTGGAGGCCAATGCCACTCAGAATATCTACATTTCTCCACAAATGGGATCAATGAC-3'